The following is an entry in ClinVar:

NM_020964.3(EPG5):c.974T>G (p.Leu325Arg)

Gene: EPG5 (ectopic P-granules 5 autophagy tethering factor; minus strand). Cytogenetic location: 18q21.1.
Variant type: single nucleotide variant.
Coding change: c.974T>G on transcript NM_020964.3 (MANE Select); coding-DNA position 974, T replaced by G.
Protein change: p.Leu325Arg; replaces leucine 325 with arginine.
Molecular consequence: missense variant.
Genome position (GRCh38, 1-based): chr18:45,954,428, A>C on the plus strand (T>G on the coding strand, the complement: EPG5 is on the minus strand). VCF-style: chr18-45954428-A-C. GRCh37 (hg19) VCF-style: chr18-43534394-A-C.
Other names: c.974T>G, p.Leu325Arg (LRG_1234t1); short protein forms L325R.
Identifiers: ClinVar variation 641148 (VCV000641148.12), dbSNP rs1181548699, ClinGen allele CA402350562.

ClinVar aggregate classification (germline): Uncertain significance. Review status: criteria provided, multiple submitters, no conflicts (2 of 4 stars). 2 submissions from 2 submitters: Uncertain significance (2). Last evaluated 2024-10-20.

Conditions:
Inborn genetic diseases. Identifiers: MedGen C0950123, MeSH D030342.
Vici syndrome (VICIS). Identifiers: Orphanet 1493, MedGen C1855772, MONDO:0009452, OMIM 242840.

Allele frequency attached by ClinVar (database versions not stated): gnomAD exomes below 0.00001 and 0.00001; TOPMed 0.00001; gnomAD 0.00002 and 0.00003.
gnomAD v4.1: 7 of 1,613,146 alleles (0.00043%); highest among the groups gnomAD compares: African/African-American, 0.0093%; no homozygotes.

Submissions (2):

Ambry Genetics
Classification: Uncertain significance for Inborn genetic diseases. Last evaluated: 2024-10-20. Review status: criteria provided, single submitter. Criteria: Ambry Variant Classification Scheme 2023. Collection method: clinical testing. Allele origin: germline.

Labcorp Genetics (formerly Invitae), Labcorp
Classification: Uncertain significance for Vici syndrome. Last evaluated: 2023-12-22. Review status: criteria provided, single submitter. Criteria: Invitae Variant Classification Sherloc (09022015). Collection method: clinical testing. Allele origin: germline.
Comment: This sequence change replaces leucine, which is neutral and non-polar, with arginine, which is basic and polar, at codon 325 of the EPG5 protein (p.Leu325Arg). This variant is present in population databases (no rsID available, gnomAD 0.02%). This variant has not been reported in the literature in individuals affected with EPG5-related conditions. ClinVar contains an entry for this variant (Variation ID: 641148). Advanced modeling of protein sequence and biophysical properties (such as structural, functional, and spatial information, amino acid conservation, physicochemical variation, residue mobility, and thermodynamic stability) performed at Invitae indicates that this missense variant is expected to disrupt EPG5 protein function with a positive predictive value of 80%. In summary, the available evidence is currently insufficient to determine the role of this variant in disease. Therefore, it has been classified as a Variant of Uncertain Significance.